The following is an entry in ClinVar:

ClinVar aggregate classification (germline): Uncertain significance (1 of 4 stars; one submission).

Submission:

Women's Health and Genetics/Laboratory Corporation of America, LabCorp
Classification: Uncertain significance. Last evaluated: 2024-07-24. Review status: criteria provided, single submitter. Criteria: LabCorp Variant Classification Summary - May 2015. Collection method: clinical testing. Allele origin: germline.
Comment: Variant summary: The variant involves the duplication of exons 4-11 in the CFTR gene. A presumed nomenclature of c.(273+1_274-1)_(1584+1_1585-1)dup has been designated for the purposes of this classification. It is assumed to be a tandem duplication in direct orientation (PMIDs: 25640679, 30054569). This Copy Number Variant (CNV) is predicted to result in an in-frame duplication within this gene. The variant was absent in 21664 control chromosomes (gnomAD Structural Variants v2.1 dataset). The available data on variant occurrences in the general population are insufficient to allow any conclusion about variant significance. c.(273+1_274-1)_(1584+1_1585-1)dup has been reported in the literature in at least one individual affected with Cystic Fibrosis (e.g., Claustres_2017). These report(s) do not provide unequivocal conclusions about association of the variant with Cystic Fibrosis. To our knowledge, no experimental evidence demonstrating an impact on protein function has been reported. The following publication was ascertained in the context of this evaluation (PMID: 28603918). No submitters have cited clinical-significance assessments for this variant to ClinVar. Based on the evidence outlined above, the variant was classified as uncertain significance.

Literature cited by the submitters: PubMed 28603918.

NC_000007.13:g.(117149197_117170952)_(117199710_117227792)dup

Gene: CFTR (CF transmembrane conductance regulator; plus strand). Cytogenetic location: 7q31.2.
Variant type: Duplication.
Identifiers: ClinVar variation 3339358 (VCV003339358.1).